The following is an entry in ClinVar:

NM_004859.4(CLTC):c.3386_3388delinsAGCTTTGAT (p.Ile1129_Lys1130delinsLysLeuTer)

Gene: CLTC (clathrin heavy chain; plus strand). Cytogenetic location: 17q23.1.
Variant type: Indel.
Coding change: c.3386_3388delinsAGCTTTGAT on transcript NM_004859.4 (MANE Select); coding-DNA positions 3386 to 3388, TCA replaced by AGCTTTGAT.
Protein change: p.Ile1129_Lys1130delinsLysLeuTer.
Molecular consequence: nonsense.
Genome position (GRCh38, 1-based): chr17:59,681,783-59,681,785, TCA replaced by AGCTTTGAT. VCF-style: chr17-59681783-TCA-AGCTTTGAT. GRCh37 (hg19) VCF-style: chr17-57759144-TCA-AGCTTTGAT.
Other names: c.3398_3400delinsAGCTTTGAT, p.Ile1133_Lys1134delinsLysLeuTer (NM_001288653.2); c.3398_3400delTCAinsAGCTTTGAT (NM_001288653.1).
Identifiers: ClinVar variation 523925 (VCV000523925.4), dbSNP rs1555607235, ClinGen allele CA658798929.

ClinVar aggregate classification (germline): Likely pathogenic (1 of 4 stars; one submission).

Submission:

GeneDx
Classification: Likely pathogenic. Last evaluated: 2021-03-01. Review status: criteria provided, single submitter. Criteria: GeneDx Variant Classification Process June 2021. Collection method: clinical testing. Allele origin: germline. Affected: yes.
Comment: Nonsense variant predicted to result in protein truncation or nonsense mediated decay in a gene for which loss-of-function is a known mechanism of disease; Not observed in large population cohorts (Lek et al., 2016); Has not been previously published as pathogenic or benign to our knowledge